The following is an entry in ClinVar:

NM_005263.5(GFI1):c.859G>A (p.Glu287Lys)

Gene: GFI1 (growth factor independent 1 transcriptional repressor; minus strand). Cytogenetic location: 1p22.1.
Variant type: single nucleotide variant.
Coding change: c.859G>A on transcript NM_005263.5 (MANE Select); coding-DNA position 859, G replaced by A.
Protein change: p.Glu287Lys; replaces glutamic acid 287 with lysine.
Molecular consequence: missense variant.
Genome position (GRCh38, 1-based): chr1:92,480,413, C>T on the plus strand (G>A on the coding strand, the complement: GFI1 is on the minus strand). VCF-style: chr1-92480413-C-T. GRCh37 (hg19) VCF-style: chr1-92945970-C-T.
Other names: c.859G>A, p.Glu287Lys (NM_001127215.3, NM_001127216.3); short protein forms E287K.
Identifiers: ClinVar variation 4263255 (VCV004263255.1).
Genomic context (GRCh38, chr1:92,480,413, plus strand): 5'-AGTGCACGGCTTTGTGCTGCTCCAGGCTCACCGCGTGCCCGAAGGTCTTGCCGCACATCT[C>T]GCAGGCAAAGGGTCTGGTACCGCTGTGGGACCTGCGCACGTGCACCTCGAGCCCGTGCGG-3'
Protein context (NP_005254.2, residues 277-297): SHSGTRPFAC[Glu287Lys]MCGKTFGHAV

ClinVar aggregate classification (germline): Uncertain significance (1 of 4 stars; one submission).

Submission:

Ambry Genetics
Classification: Uncertain significance. Last evaluated: 2025-09-12. Review status: criteria provided, single submitter. Criteria: Ambry Variant Classification Scheme 2023. Collection method: clinical testing. Allele origin: germline.
Comment: The p.E287K variant (also known as c.859G>A), located in coding exon 4 of the GFI1 gene, results from a G to A substitution at nucleotide position 859. The glutamic acid at codon 287 is replaced by lysine, an amino acid with similar properties. This amino acid position is conserved. In addition, this alteration is predicted to be tolerated by in silico analysis. Based on the available evidence, the clinical significance of this variant remains unclear.